The following is an entry in ClinVar:

ClinVar aggregate classification (germline): Likely benign. Review status: criteria provided, multiple submitters, no conflicts (2 of 4 stars). 2 submissions from 2 submitters: Likely benign (2). Last evaluated 2026-03-27.

Allele frequency attached by ClinVar (database versions not stated): gnomAD exomes 0.00004; ExAC 0.00005; gnomAD 0.00002; TOPMed 0.00002.
gnomAD v4.1: 61 of 1,613,928 alleles (0.0038%); highest among the groups gnomAD compares: Non-Finnish European, 0.0051%; no homozygotes.

Submissions (2):

Molecular Diagnostic Laboratory for Inherited Cardiovascular Disease, Montreal Heart Institute
Classification: Likely benign. Last evaluated: 2026-03-27. Review status: criteria provided, single submitter. Criteria: ACMG Guidelines, 2015. Collection method: clinical testing. Allele origin: germline. Affected: no.
Comment: BP7

Labcorp Genetics (formerly Invitae), Labcorp
Classification: Likely benign. Last evaluated: 2023-10-28. Review status: criteria provided, single submitter. Criteria: Invitae Variant Classification Sherloc (09022015). Collection method: clinical testing. Allele origin: germline.

NM_024664.4(PPCS):c.510C>T (p.Gly170=)

Genes: CCDC30 (coiled-coil domain containing 30; plus strand), PPCS (phosphopantothenoylcysteine synthetase; plus strand). Cytogenetic location: 1p34.2.
Variant type: single nucleotide variant.
Coding change: c.510C>T on transcript NM_024664.4 (MANE Select); coding-DNA position 510, C replaced by T.
Protein change: p.Gly170=; no amino-acid change (glycine 170 retained).
Molecular consequence: synonymous variant. On other transcripts: 5 prime UTR variant (7).
Genome position (GRCh38, 1-based): chr1:42,457,248, C>T. VCF-style: chr1-42457248-C-T. GRCh37 (hg19) VCF-style: chr1-42922919-C-T.
Other names: c.-982C>T (NM_001355226.2); c.-10C>T (NM_001077447.3, NM_001287506.1, NM_001287508.2 and 2 more transcripts); c.-326C>T (NM_001287507.1); c.510C>T, p.Gly170= (NM_001287511.2).
Identifiers: ClinVar variation 2171877 (VCV002171877.4), dbSNP rs776253559, ClinGen allele CA800006.
Genomic context (GRCh38, chr1:42,457,248, plus strand): 5'-GGAGCTGATCCTATATCGTACCTCGCCGATTTGTTAACACCTTGTGTTTCTCTTTGCAGG[C>T]CCTTCTGCGATGTTTTACCTGGCTGCGGCTGTGTCAGATTTCTATGTTCCTGTCTCTGAA-3'
Protein context (NP_078940.2, residues 160-180): QAAAQALNPL[Gly170=]PSAMFYLAAA